The following is an entry in ClinVar:

NM_006015.6(ARID1A):c.422C>G (p.Ala141Gly)

Gene: ARID1A (AT-rich interaction domain 1A; plus strand). Cytogenetic location: 1p36.11.
Variant type: single nucleotide variant.
Coding change: c.422C>G on transcript NM_006015.6 (MANE Select); coding-DNA position 422, C replaced by G.
Protein change: p.Ala141Gly; replaces alanine 141 with glycine.
Molecular consequence: missense variant.
Genome position (GRCh38, 1-based): chr1:26,696,825, C>G. VCF-style: chr1-26696825-C-G. GRCh37 (hg19) VCF-style: chr1-27023316-C-G.
Other names: c.422C>G, p.Ala141Gly (NM_139135.4); short protein forms A141G.
Identifiers: ClinVar variation 1800717 (VCV001800717.1), dbSNP rs2525556061, ClinGen allele CA339265161.

ClinVar aggregate classification (germline): Uncertain significance (1 of 4 stars; one submission).

Submission:

GeneDx
Classification: Uncertain significance. Last evaluated: 2022-05-16. Review status: criteria provided, single submitter. Criteria: GeneDx Variant Classification Process June 2021. Collection method: clinical testing. Allele origin: germline. Affected: yes.
Comment: Not observed at significant frequency in large population cohorts (gnomAD); In silico analysis supports that this missense variant does not alter protein structure/function; Has not been previously published as pathogenic or benign to our knowledge